The following is an entry in ClinVar:

NM_001165963.4(SCN1A):c.4996T>A (p.Ser1666Thr)

Genes: SCN1A (sodium voltage-gated channel alpha subunit 1; minus strand), LOC102724058 (uncharacterized LOC102724058; plus strand). Cytogenetic location: 2q24.3.
Variant type: single nucleotide variant.
Coding change: c.4996T>A on transcript NM_001165963.4 (MANE Select); coding-DNA position 4996, T replaced by A.
Protein change: p.Ser1666Thr; replaces serine 1666 with threonine.
Molecular consequence: missense variant. On other transcripts: non-coding transcript variant (1).
Genome position (GRCh38, 1-based): chr2:165,992,279, A>T on the plus strand (T>A on the coding strand, the complement: SCN1A is on the minus strand). VCF-style: chr2-165992279-A-T. GRCh37 (hg19) VCF-style: chr2-166848789-A-T.
Other names: c.4912T>A, p.Ser1638Thr (NM_001165964.3, NM_001353957.2, NM_001353958.2); c.4996T>A, p.Ser1666Thr (NM_001202435.3, NM_001353948.2); c.4963T>A, p.Ser1655Thr (NM_001353949.2, NM_001353950.2, NM_001353951.2 and 2 more transcripts); c.4960T>A, p.Ser1654Thr (NM_001353954.2, NM_001353955.2); c.4909T>A, p.Ser1637Thr (NM_001353960.2); c.2554T>A, p.Ser852Thr (NM_001353961.2); short protein forms S1637T, S1638T, S1654T, S852T, S1655T, S1666T.
Identifiers: ClinVar variation 2769024 (VCV002769024.3), dbSNP rs2468339380, ClinGen allele CA349069808.
Genomic context (GRCh38, chr2:165,992,279, plus strand): 5'-TGGCGTAGATGAACATGACTAGGAAGAGTAGGAGGCCGATGTTAAACAACGCAGGAAGGG[A>T]CATCATCAAAGCAAAGAGCAGCGTGCGGATCCCCTTTGCTCCTTTGATCAGACGTAGGAT-3'
Protein context (NP_001159435.1, residues 1656-1676): IRTLLFALMM[Ser1666Thr]LPALFNIGLL

ClinVar aggregate classification (germline): Likely pathogenic (1 of 4 stars; one submission).

Conditions:
Early-infantile DEE. Also called: Ohtahara syndrome; Early infantile epileptic encephalopathy; Early infantile epileptic encephalopathy with suppression bursts. Identifiers: Orphanet 1934, MedGen C0393706, MONDO:0800491.

Submission:

Labcorp Genetics (formerly Invitae), Labcorp
Classification: Likely pathogenic for Early-infantile DEE. Last evaluated: 2023-12-12. Review status: criteria provided, single submitter. Criteria: Invitae Variant Classification Sherloc (09022015). Collection method: clinical testing. Allele origin: germline.
Comment: This sequence change replaces serine, which is neutral and polar, with threonine, which is neutral and polar, at codon 1666 of the SCN1A protein (p.Ser1666Thr). This variant is not present in population databases (gnomAD no frequency). This variant has not been reported in the literature in individuals affected with SCN1A-related conditions. Advanced modeling of protein sequence and biophysical properties (such as structural, functional, and spatial information, amino acid conservation, physicochemical variation, residue mobility, and thermodynamic stability) performed at Invitae indicates that this missense variant is expected to disrupt SCN1A protein function with a positive predictive value of 95%. This variant disrupts the p.Ser1666 amino acid residue in SCN1A. Other variant(s) that disrupt this residue have been determined to be pathogenic (PMID: 9573403, 31780880). This suggests that this residue is clinically significant, and that variants that disrupt this residue are likely to be disease-causing. In summary, the currently available evidence indicates that the variant is pathogenic, but additional data are needed to prove that conclusively. Therefore, this variant has been classified as Likely Pathogenic.

Literature cited by the submitters: PubMed 9573403; PubMed 31780880.